The following is an entry in ClinVar:

NM_170606.3(KMT2C):c.12932C>T (p.Pro4311Leu)

Gene: KMT2C (lysine methyltransferase 2C; minus strand). Cytogenetic location: 7q36.1.
Variant type: single nucleotide variant.
Coding change: c.12932C>T on transcript NM_170606.3 (MANE Select); coding-DNA position 12932, C replaced by T.
Protein change: p.Pro4311Leu; replaces proline 4311 with leucine.
Molecular consequence: missense variant.
Genome position (GRCh38, 1-based): chr7:152,148,995, G>A on the plus strand (C>T on the coding strand, the complement: KMT2C is on the minus strand). VCF-style: chr7-152148995-G-A. GRCh37 (hg19) VCF-style: chr7-151846080-G-A.
Other names: short protein forms P4311L.
Identifiers: ClinVar variation 3026824 (VCV003026824.22), dbSNP rs1180100113, ClinGen allele CA370093739.

ClinVar aggregate classification (germline): Uncertain significance (1 of 4 stars; one submission).

gnomAD v4.1: 1 of 1,570,426 alleles (0.000064%); no homozygotes.

Submission:

CeGaT Center for Human Genetics Tuebingen
Classification: Uncertain significance. Last evaluated: 2025-02-01. Review status: criteria provided, single submitter. Criteria: CeGaT Center For Human Genetics Tuebingen Variant Classification Criteria Version 2. Collection method: clinical testing. Allele origin: germline. Affected: yes. Observed: 1 variant allele.
Comment: KMT2C: PM2